The following is an entry in ClinVar:

ClinVar aggregate classification (germline): Benign/Likely benign. Review status: criteria provided, multiple submitters, no conflicts (2 of 4 stars). 5 submissions from 5 submitters: Benign (4); Likely benign (1). Last evaluated 2026-02-03.

Conditions:
Succinate-semialdehyde dehydrogenase deficiency (SSADHD). Also called: GABA METABOLIC DEFECT; SSADH DEFICIENCY; 4-HYDROXYBUTYRIC ACIDURIA; Succinic Semialdehyde Dehydrogenase Deficiency. Identifiers: Orphanet 22, MedGen C0268631, MONDO:0010083, OMIM 271980.

Allele frequency attached by ClinVar (database versions not stated): gnomAD exomes 0.01202 and 0.01729; ExAC 0.01872; gnomAD 0.04557 and 0.04857; 1000 Genomes Project 0.04613; 1000 Genomes Project 30x 0.05059; ESP Exome Variant Server 0.05090; TOPMed 0.05201.
gnomAD v4.1: 24,809 of 1,612,674 alleles (1.5%); highest among the groups gnomAD compares: African/African-American, 14%; 836 homozygotes.

Submissions (5):

Labcorp Genetics (formerly Invitae), Labcorp
Classification: Benign for Succinate-semialdehyde dehydrogenase deficiency. Last evaluated: 2026-02-03. Review status: criteria provided, single submitter. Criteria: Invitae Variant Classification Sherloc (09022015). Collection method: clinical testing. Allele origin: germline.

Blueprint Genetics
Classification: Likely benign. Last evaluated: 2024-11-22. Review status: criteria provided, single submitter. Criteria: ACMG Guidelines, 2015. Collection method: clinical testing. Allele origin: germline.

Mayo Clinic Laboratories, Mayo Clinic
Classification: Benign. Last evaluated: 2024-09-02. Review status: criteria provided, single submitter. Criteria: ACMG Guidelines, 2015. Collection method: clinical testing. Allele origin: germline. Observed: 41 variant alleles.

GeneDx
Classification: Benign. Last evaluated: 2018-07-17. Review status: criteria provided, single submitter. Criteria: GeneDx Variant Classification Process June 2021. Collection method: clinical testing. Allele origin: germline. Affected: yes.

Illumina Laboratory Services, Illumina
Classification: Benign for Succinate-semialdehyde dehydrogenase deficiency. Last evaluated: 2018-01-13. Review status: criteria provided, single submitter. Criteria: ICSL Variant Classification Criteria 13 December 2019. Collection method: clinical testing. Allele origin: germline.
Comment: This variant was observed in the ICSL laboratory as part of a predisposition screen in an ostensibly healthy population. It had not been previously curated by ICSL or reported in the Human Gene Mutation Database (HGMD: prior to June 1st, 2018), and was therefore a candidate for classification through an automated scoring system. Utilizing variant allele frequency, disease prevalence and penetrance estimates, and inheritance mode, an automated score was calculated to assess if this variant is too frequent to cause the disease. Based on the score and internal cut-off values, a variant classified as benign is not then subjected to further curation. The score for this variant resulted in a classification of benign for this disease.

NM_001080.3(ALDH5A1):c.610-5C>T

Gene: ALDH5A1 (aldehyde dehydrogenase 5 family member A1; plus strand). Cytogenetic location: 6p22.3.
Variant type: single nucleotide variant.
Coding change: c.610-5C>T on transcript NM_001080.3 (MANE Select); 5 bases into the intron before coding-DNA position 610, C replaced by T.
Molecular consequence: intron variant.
Genome position (GRCh38, 1-based): chr6:24,504,864, C>T. VCF-style: chr6-24504864-C-T. GRCh37 (hg19) VCF-style: chr6-24505092-C-T.
Other names: p.?; c.610-5C>T (NM_170740.1, NM_001368954.1).
Identifiers: ClinVar variation 356133 (VCV000356133.18), dbSNP rs76752785, ClinGen allele CA3656677.